The following is an entry in ClinVar:

NM_001165963.4(SCN1A):c.2078G>T (p.Arg693Met)

Gene: SCN1A (sodium voltage-gated channel alpha subunit 1; minus strand). Cytogenetic location: 2q24.3.
Variant type: single nucleotide variant.
Coding change: c.2078G>T on transcript NM_001165963.4 (MANE Select); coding-DNA position 2078, G replaced by T.
Protein change: p.Arg693Met; replaces arginine 693 with methionine.
Molecular consequence: missense variant. On other transcripts: 5 prime UTR variant (1), non-coding transcript variant (1).
Genome position (GRCh38, 1-based): chr2:166,042,390, C>A on the plus strand (G>T on the coding strand, the complement: SCN1A is on the minus strand). VCF-style: chr2-166042390-C-A. GRCh37 (hg19) VCF-style: chr2-166898900-C-A.
Other names: c.1994G>T, p.Arg665Met (NM_001165964.3, NM_001353957.2, NM_001353958.2); c.2078G>T, p.Arg693Met (NM_001202435.3, NM_001353948.2); c.2045G>T, p.Arg682Met (NM_001353949.2, NM_001353950.2, NM_001353951.2 and 2 more transcripts); c.2042G>T, p.Arg681Met (NM_001353954.2, NM_001353955.2); c.1991G>T, p.Arg664Met (NM_001353960.2); c.-381G>T (NM_001353961.2); short protein forms R682M, R693M, R664M, R665M, R681M.
Identifiers: ClinVar variation 206936 (VCV000206936.12), dbSNP rs750260160, ClinGen allele CA317783.

ClinVar aggregate classification (germline): Likely benign. Review status: criteria provided, multiple submitters, no conflicts (2 of 4 stars). 3 submissions from 3 submitters: Likely benign (3). Last evaluated 2025-11-23.

Conditions:
Early-infantile DEE. Also called: Ohtahara syndrome; Early infantile epileptic encephalopathy; Early infantile epileptic encephalopathy with suppression bursts. Identifiers: Orphanet 1934, MedGen C0393706, MONDO:0800491.

Allele frequency attached by ClinVar (database versions not stated): gnomAD 0.00002; TOPMed 0.00002.
gnomAD v4.1: 9 of 1,613,670 alleles (0.00056%); highest among the groups gnomAD compares: Non-Finnish European, 0.00076%; no homozygotes.

Submissions (3):

Labcorp Genetics (formerly Invitae), Labcorp
Classification: Likely benign for Early-infantile DEE. Last evaluated: 2025-11-23. Review status: criteria provided, single submitter. Criteria: Invitae Variant Classification Sherloc (09022015). Collection method: clinical testing. Allele origin: germline.

Women's Health and Genetics/Laboratory Corporation of America, LabCorp
Classification: Likely benign. Last evaluated: 2025-03-17. Review status: criteria provided, single submitter. Criteria: LabCorp Variant Classification Summary - May 2015. Collection method: clinical testing. Allele origin: germline.
Comment: Variant summary: SCN1A c.2078G>T (p.Arg693Met) results in a non-conservative amino acid change in the encoded protein sequence. Three of five in-silico tools predict a damaging effect of the variant on protein function. The variant allele was found at a frequency of 1.6e-05 in 251226 control chromosomes, predominantly at a frequency of 3.5e-05 within the Non-Finnish European subpopulation in the gnomAD database. To our knowledge, no occurrence of c.2078G>T in individuals affected with SCN1A-Related Seizure Disorder and no experimental evidence demonstrating its impact on protein function have been reported. ClinVar contains an entry for this variant (Variation ID: 206936). Based on the evidence outlined above, the variant was classified as likely benign.

GeneDx
Classification: Likely benign. Last evaluated: 2021-02-12. Review status: criteria provided, single submitter. Criteria: GeneDx Variant Classification Process June 2021. Collection method: clinical testing. Allele origin: germline. Affected: yes.
Comment: The majority of missense variants in this gene are considered pathogenic; In silico analysis, which includes protein predictors and evolutionary conservation, supports a deleterious effect; This substitution is predicted to be in the cytoplasmic loop between the first and second homologous domains; Has not been previously published as pathogenic or benign to our knowledge